The following is an entry in ClinVar:

ClinVar aggregate classification (germline): Uncertain significance (1 of 4 stars; one submission).

gnomAD v4.1: 1 of 1,591,174 alleles (0.000063%); highest among the groups gnomAD compares: Non-Finnish European, 0.000086%; no homozygotes.

Submission:

Labcorp Genetics (formerly Invitae), Labcorp
Classification: Uncertain significance. Last evaluated: 2022-08-15. Review status: criteria provided, single submitter. Criteria: Invitae Variant Classification Sherloc (09022015). Collection method: clinical testing. Allele origin: germline.
Comment: This sequence change replaces cysteine, which is neutral and slightly polar, with glycine, which is neutral and non-polar, at codon 905 of the PLEKHM2 protein (p.Cys905Gly). This variant is not present in population databases (gnomAD no frequency). This variant has not been reported in the literature in individuals affected with PLEKHM2-related conditions. ClinVar contains an entry for this variant (Variation ID: 971499). Algorithms developed to predict the effect of missense changes on protein structure and function are either unavailable or do not agree on the potential impact of this missense change (SIFT: "Tolerated"; PolyPhen-2: "Probably Damaging"; Align-GVGD: "Class C0"). In summary, the available evidence is currently insufficient to determine the role of this variant in disease. Therefore, it has been classified as a Variant of Uncertain Significance.

NM_015164.4(PLEKHM2):c.2713T>G (p.Cys905Gly)

Gene: PLEKHM2 (pleckstrin homology and RUN domain containing M2; plus strand). Cytogenetic location: 1p36.21.
Variant type: single nucleotide variant.
Coding change: c.2713T>G on transcript NM_015164.4 (MANE Select); coding-DNA position 2713, T replaced by G.
Protein change: p.Cys905Gly; replaces cysteine 905 with glycine.
Molecular consequence: missense variant.
Genome position (GRCh38, 1-based): chr1:15,732,437, T>G. VCF-style: chr1-15732437-T-G. GRCh37 (hg19) VCF-style: chr1-16058932-T-G.
Other names: short protein forms C905G.
Identifiers: ClinVar variation 971499 (VCV000971499.10), dbSNP rs372585673, ClinGen allele CA338574668.